The following is an entry in ClinVar:

NM_000096.4(CP):c.1435G>A (p.Gly479Arg)

Gene: CP (ceruloplasmin; minus strand). Cytogenetic location: 3q24.
Variant type: single nucleotide variant.
Coding change: c.1435G>A on transcript NM_000096.4 (MANE Select); coding-DNA position 1435, G replaced by A.
Protein change: p.Gly479Arg; replaces glycine 479 with arginine.
Molecular consequence: missense variant. On other transcripts: non-coding transcript variant (1).
Genome position (GRCh38, 1-based): chr3:149,199,778, C>T on the plus strand (G>A on the coding strand, the complement: CP is on the minus strand). VCF-style: chr3-149199778-C-T. GRCh37 (hg19) VCF-style: chr3-148917565-C-T.
Other names: short protein forms G479R.
Identifiers: ClinVar variation 844636 (VCV000844636.7), dbSNP rs773337495, ClinGen allele CA2661017.

ClinVar aggregate classification (germline): Uncertain significance (1 of 4 stars; one submission).

Conditions:
Deficiency of ferroxidase (ACEP). Also called: Deficiency of ceruloplasmin; Aceruloplasminemia; Ceruloplasmin deficiency; Familial apoceruloplasmin deficiency; Hereditary ceruloplasmin deficiency; NEURODEGENERATION WITH BRAIN IRON ACCUMULATION 10. Identifiers: Orphanet 48818, MedGen C0878682, MONDO:0011426, OMIM 604290, HP:0025498.

Allele frequency attached by ClinVar (database versions not stated): gnomAD 0.00001; gnomAD exomes 0.00001 and 0.00002; TOPMed 0.00001; ExAC 0.00002.
gnomAD v4.1: 4 of 1,614,032 alleles (0.00025%); highest among the groups gnomAD compares: Admixed American, 0.005%; no homozygotes.

Submission:

Labcorp Genetics (formerly Invitae), Labcorp
Classification: Uncertain significance for Deficiency of ferroxidase. Last evaluated: 2026-01-30. Review status: criteria provided, single submitter. Criteria: Invitae Variant Classification Sherloc (09022015). Collection method: clinical testing. Allele origin: germline.
Comment: This sequence change replaces glycine, which is neutral and non-polar, with arginine, which is basic and polar, at codon 479 of the CP protein (p.Gly479Arg). This variant is present in population databases (rs773337495, gnomAD 0.01%). This variant has not been reported in the literature in individuals affected with CP-related conditions. ClinVar contains an entry for this variant (Variation ID: 844636). Invitae Evidence Modeling of protein sequence and biophysical properties (such as structural, functional, and spatial information, amino acid conservation, physicochemical variation, residue mobility, and thermodynamic stability) has been performed for this missense variant. However, the output from this modeling did not meet the statistical confidence thresholds required to predict the impact of this variant on CP protein function. In summary, the available evidence is currently insufficient to determine the role of this variant in disease. Therefore, it has been classified as a Variant of Uncertain Significance.